The following is an entry in ClinVar:

ClinVar aggregate classification (germline): Likely pathogenic (1 of 4 stars; one submission).

Conditions:
Mild NDD.

gnomAD v4.1: 1 of 1,613,730 alleles (0.000062%); highest among the groups gnomAD compares: Middle Eastern, 0.016%; no homozygotes.

Submission:

Genetics and Personalized Medicine, Danish Epilepsy Center
Classification: Likely pathogenic for Mild NDD. Last evaluated: 2025-07-03. Review status: criteria provided, single submitter. Criteria: ACMG Guidelines, 2015. Collection method: clinical testing. Allele origin: paternal, biparental. Inheritance: Autosomal recessive inheritance. Affected: yes. Observed: 2 compound heterozygotes, 1 homozygote. Clinical features observed: Mild intellectual disability, Early onset epilepsy, Impaired gross motor functions, Pachygyria, Epilepsy, ADHD/ASD, Moderate intellectual disability.
Comment: PM1, PM2, PP3, PP4

NM_001378328.1(CELSR1):c.2935C>T (p.Leu979Phe)

Gene: CELSR1 (cadherin EGF LAG seven-pass G-type receptor 1; minus strand). Cytogenetic location: 22q13.31.
Variant type: single nucleotide variant.
Coding change: c.2935C>T on transcript NM_001378328.1 (MANE Select); coding-DNA position 2935, C replaced by T.
Protein change: p.Leu979Phe; replaces leucine 979 with phenylalanine.
Molecular consequence: missense variant.
Genome position (GRCh38, 1-based): chr22:46,534,236, G>A on the plus strand (C>T on the coding strand, the complement: CELSR1 is on the minus strand). VCF-style: chr22-46534236-G-A. GRCh37 (hg19) VCF-style: chr22-46930133-G-A.
Other names: c.2935C>T, p.Leu979Phe (NM_014246.4); short protein forms L979F.
Identifiers: ClinVar variation 4073567 (VCV004073567.1).
Genomic context (GRCh38, chr22:46,534,236, plus strand): 5'-ACATGGGGGCATTGTCATTAATGTCCAAGATGGTCACCTGGATTTCTACCGAGGCGCTAA[G>A]GGGAGTGGGACTGCCCCGATCCACAGCCAGAGCCCAAAGGTTGTACACGGCCACATTCTC-3'
Protein context (NP_001365257.1, residues 969-989): LAVDRGSPTP[Leu979Phe]SASVEIQVTI